The following is an entry in ClinVar:

NM_006915.3(RP2):c.401A>G (p.Gln134Arg)

Gene: RP2 (RP2 activator of ARL3 GTPase; plus strand). Cytogenetic location: Xp11.3.
Variant type: single nucleotide variant.
Coding change: c.401A>G on transcript NM_006915.3 (MANE Select); coding-DNA position 401, A replaced by G.
Protein change: p.Gln134Arg; replaces glutamine 134 with arginine.
Molecular consequence: missense variant.
Genome position (GRCh38, 1-based): chrX:46,853,774, A>G. VCF-style: chrX-46853774-A-G. GRCh37 (hg19) VCF-style: chrX-46713209-A-G.
Other names: short protein forms Q134R.
Identifiers: ClinVar variation 1043720 (VCV001043720.8), dbSNP rs1924904498, ClinGen allele CA413039637.

ClinVar aggregate classification (germline): Uncertain significance (1 of 4 stars; one submission).

Submission:

Labcorp Genetics (formerly Invitae), Labcorp
Classification: Uncertain significance. Last evaluated: 2025-10-01. Review status: criteria provided, single submitter. Criteria: Invitae Variant Classification Sherloc (09022015). Collection method: clinical testing. Allele origin: germline.
Comment: This sequence change replaces glutamine, which is neutral and polar, with arginine, which is basic and polar, at codon 134 of the RP2 protein (p.Gln134Arg). This variant is not present in population databases (gnomAD no frequency). This variant has not been reported in the literature in individuals affected with RP2-related conditions. ClinVar contains an entry for this variant (Variation ID: 1043720). Invitae Evidence Modeling of protein sequence and biophysical properties (such as structural, functional, and spatial information, amino acid conservation, physicochemical variation, residue mobility, and thermodynamic stability) indicates that this missense variant is not expected to disrupt RP2 protein function with a negative predictive value of 95%. In summary, the available evidence is currently insufficient to determine the role of this variant in disease. Therefore, it has been classified as a Variant of Uncertain Significance.